The following is an entry in ClinVar:

NM_007294.4(BRCA1):c.5232_5238delinsGTCCAAAGCGAG (p.Asn1745fs)

Gene: BRCA1 (BRCA1 DNA repair associated; minus strand). Cytogenetic location: 17q21.31.
Variant type: Indel.
Coding change: c.5232_5238delinsGTCCAAAGCGAG on transcript NM_007294.4 (MANE Select); coding-DNA positions 5232 to 5238, AAACCAC replaced by GTCCAAAGCGAG.
Protein change: p.Asn1745fs; shifts the reading frame from asparagine 1745.
Molecular consequence: frameshift variant. On other transcripts: non-coding transcript variant (1).
Genome position (GRCh38, 1-based): chr17:43,057,091-43,057,097, GTGGTTT replaced by CTCGCTTTGGAC on the plus strand (AAACCAC replaced by GTCCAAAGCGAG on the coding strand, the reverse complement: BRCA1 is on the minus strand). VCF-style: chr17-43057091-GTGGTTT-CTCGCTTTGGAC. GRCh37 (hg19) VCF-style: chr17-41209108-GTGGTTT-CTCGCTTTGGAC.
Other names: c.1920_1926delAAACCACinsGTCCAAAGCGAG, p.Asn641Serfs (NM_007298.4, NM_007304.2, NM_001407979.1 and 12 more transcripts); c.1920_1926delinsGTCCAAAGCGAG, p.Asn641fs (NM_007299.4); c.5295_5301delinsGTCCAAAGCGAG, p.Asn1766fs (NM_007300.4); c.5019_5025delAAACCACinsGTCCAAAGCGAG, p.Asn1674Serfs (NM_001407571.1, NM_001407894.1, NM_001407895.1 and 12 more transcripts); c.5298_5304delAAACCACinsGTCCAAAGCGAG, p.Asn1767Serfs (NM_001407581.1, NM_001407582.1); c.5295_5301delAAACCACinsGTCCAAAGCGAG, p.Asn1766Serfs (NM_001407583.1, NM_001407585.1, NM_001407587.1); c.5292_5298delAAACCACinsGTCCAAAGCGAG, p.Asn1765Serfs (NM_001407590.1, NM_001407591.1); c.5232_5238delAAACCACinsGTCCAAAGCGAG, p.Asn1745Serfs (NM_001407593.1, NM_001407594.1, NM_001407596.1 and 7 more transcripts); and 75 more; short protein forms N641fs, N1766fs, N1698fs, N1745fs.
Identifiers: ClinVar variation 449982 (VCV000449982.12), dbSNP rs483353071, ClinGen allele CA658656663.

ClinVar aggregate classification (germline): Pathogenic/Likely pathogenic. Review status: criteria provided, multiple submitters, no conflicts (2 of 4 stars). 4 submissions from 4 submitters: Pathogenic (3); Likely pathogenic (1). Last evaluated 2026-01-12.

Conditions:
Hereditary cancer-predisposing syndrome. Also called: Neoplastic Syndromes, Hereditary; Tumor predisposition; Hereditary neoplastic syndrome; Hereditary Cancer Syndrome. Identifiers: Orphanet 140162, MedGen C0027672, MeSH D009386, MONDO:0015356.
Hereditary breast ovarian cancer syndrome. Also called: Breast and ovarian cancer; BRCA1- and BRCA2-Associated Hereditary Breast and Ovarian Cancer; Hereditary breast and ovarian cancer; Hereditary breast and/or ovarian cancer syndrome; Hereditary breast and ovarian cancer syndrome; Hereditary breast and ovarian cancer syndrome (HBOC). Identifiers: Orphanet 145, MedGen C0677776, MeSH D061325, MONDO:0003582. Disease mechanism: loss of function.

Submissions (4):

Ambry Genetics
Classification: Pathogenic for Hereditary cancer-predisposing syndrome. Last evaluated: 2026-01-12. Review status: criteria provided, single submitter. Criteria: Ambry Variant Classification Scheme 2023. Collection method: clinical testing. Allele origin: germline.
Comment: The c.5232_5238delAAACCACins12 pathogenic mutation, located in coding exon 18 of the BRCA1 gene, results from the deletion of 7 nucleotides and insertion of 12 nucleotides (GTCCAAAGCGAG) causing a translational frameshift with a predicted alternate stop codon (p.N1745Sfs*22). This variant is considered to be rare based on population cohorts in the Genome Aggregation Database (gnomAD). This alteration is expected to result in loss of function by premature protein truncation or nonsense-mediated mRNA decay. As such, this alteration is interpreted as a disease-causing mutation.

Labcorp Genetics (formerly Invitae), Labcorp
Classification: Pathogenic for Hereditary breast ovarian cancer syndrome. Last evaluated: 2022-02-20. Review status: criteria provided, single submitter. Criteria: Invitae Variant Classification Sherloc (09022015). Collection method: clinical testing. Allele origin: germline.
Comment: This sequence change creates a premature translational stop signal (p.Asn1745Serfs*22) in the BRCA1 gene. It is expected to result in an absent or disrupted protein product. Loss-of-function variants in BRCA1 are known to be pathogenic (PMID: 20104584). This variant is not present in population databases (gnomAD no frequency). This premature translational stop signal has been observed in individual(s) with personal and/or family history of breast and/or ovarian cancer (PMID: 25948282). This variant is also known as c.5232del7ins12. For these reasons, this variant has been classified as Pathogenic.

GeneDx
Classification: Pathogenic. Last evaluated: 2021-12-15. Review status: criteria provided, single submitter. Criteria: GeneDx Variant Classification Process June 2021. Collection method: clinical testing. Allele origin: germline. Affected: yes.
Comment: Frameshift variant predicted to result in protein truncation or nonsense mediated decay in a gene for which loss-of-function is a known mechanism of disease; Observed in an individual with a personal and/or family history of breast and/or ovarian cancer (Kluska 2015); Not observed at significant frequency in large population cohorts (Lek 2016); Truncating variants in this gene are considered pathogenic by a well-established clinical consortium and/or database; Also known as 5232del7ins12 or 5351del7ins12; This variant is associated with the following publications: (PMID: 26843898, 16267036, 25948282)

Women's Health and Genetics/Laboratory Corporation of America, LabCorp
Classification: Likely pathogenic for Hereditary breast and ovarian cancer syndrome. Last evaluated: 2020-03-17. Review status: criteria provided, single submitter. Criteria: LabCorp Variant Classification Summary - May 2015. Collection method: clinical testing. Allele origin: germline.
Comment: Variant summary: BRCA1 c.5232_5238delins12 (c.5232_5238delinsGTCCAAAGCGAG; p.Asn1745SerfsX22) results in a premature termination codon, predicted to cause a truncation of the encoded protein or absence of the protein due to nonsense mediated decay, which are commonly known mechanisms for disease. Truncations downstream of this position have been classified as pathogenic by our laboratory. The variant was not detected in approximately 21,000 chromosomes in the gnomAD structural variants database. c.5232_5238delins12 has been reported in the literature in at least one individual affected with familial or early-onset Breast and/or Ovarian Cancer (Kluska_2015). These data do not allow any conclusion about variant significance. To our knowledge, no experimental evidence demonstrating an impact on protein function has been reported. Two clinical diagnostic laboratories have submitted clinical-significance assessments for this variant to ClinVar after 2014 without evidence for independent evaluation. Both laboratories cited the variant as pathogenic. Based on the evidence outlined above, the variant was classified as likely pathogenic.

Literature cited by the submitters: PubMed 20104584 (cited by Labcorp Genetics (formerly Invitae), Labcorp); PubMed 25948282 (cited by Labcorp Genetics (formerly Invitae), Labcorp and Women's Health and Genetics/Laboratory Corporation of America, LabCorp).